The following is an entry in ClinVar:

ClinVar aggregate classification (germline): Uncertain significance (1 of 4 stars; one submission).

Conditions:
Early onset severe obesity. Identifiers: MedGen C4013980.

Submission:

Cambridge Genomics Laboratory, East Genomic Laboratory Hub, NHS Genomic Medicine Service
Classification: Uncertain significance for Severe early-onset obesity. Last evaluated: 2025-08-28. Review status: criteria provided, single submitter. Criteria: ACGS Best Practice Guidelines for Variant Classification in Rare Disease 2020. Collection method: clinical testing. Allele origin: germline. Affected: yes.
Comment: PM2,PP2,BP4

NM_017934.7(PHIP):c.4838A>C (p.Lys1613Thr)

Genes: IRAK1BP1 (interleukin 1 receptor associated kinase 1 binding protein 1; plus strand), PHIP (PHIP subunit of CUL4-Ring ligase complex; minus strand). Cytogenetic location: 6q14.1.
Variant type: single nucleotide variant.
Coding change: c.4838A>C on transcript NM_017934.7 (MANE Select); coding-DNA position 4838, A replaced by C.
Protein change: p.Lys1613Thr; replaces lysine 1613 with threonine.
Molecular consequence: missense variant.
Genome position (GRCh38, 1-based): chr6:78,941,321, T>G on the plus strand (A>C on the coding strand, the complement: PHIP is on the minus strand). VCF-style: chr6-78941321-T-G. GRCh37 (hg19) VCF-style: chr6-79651038-T-G.
Other names: short protein forms K1613T.
Identifiers: ClinVar variation 4540590 (VCV004540590.1).
Genomic context (GRCh38, chr6:78,941,321, plus strand): 5'-TTTGATGGCTGTCCTCCATGGCCATTTACTTGAATGGTTCCTGGTACAAGAGCGTTGTTC[T>G]TACAATCTCCTAAAAGGGAACAACAGTACACTTAATATATGGAGTTTCTTTTTTTGTTTG-3'
Protein context (NP_060404.4, residues 1603-1623): SSAVIEQGDC[Lys1613Thr]NNALVPGTIQ